The following is an entry in ClinVar:

ClinVar aggregate classification (germline): Uncertain significance (1 of 4 stars; one submission).

Conditions:
Autoimmune lymphoproliferative syndrome type 2B. Also called: AUTOIMMUNE LYMPHOPROLIFERATIVE SYNDROME, TYPE IIB. Identifiers: Orphanet 275517, MedGen C1846545, MONDO:0011804, OMIM 607271.

Submission:

Labcorp Genetics (formerly Invitae), Labcorp
Classification: Uncertain significance for Autoimmune lymphoproliferative syndrome type 2B. Last evaluated: 2025-03-17. Review status: criteria provided, single submitter. Criteria: Invitae Variant Classification Sherloc (09022015). Collection method: clinical testing. Allele origin: germline.
Comment: This sequence change replaces glycine, which is neutral and non-polar, with arginine, which is basic and polar, at codon 185 of the CASP8 protein (p.Gly185Arg). This variant is present in population databases (rs765927495, gnomAD 0.006%). This variant has not been reported in the literature in individuals affected with CASP8-related conditions. Invitae Evidence Modeling of protein sequence and biophysical properties (such as structural, functional, and spatial information, amino acid conservation, physicochemical variation, residue mobility, and thermodynamic stability) indicates that this missense variant is not expected to disrupt CASP8 protein function with a negative predictive value of 80%. In summary, the available evidence is currently insufficient to determine the role of this variant in disease. Therefore, it has been classified as a Variant of Uncertain Significance.

NM_001372051.1(CASP8):c.457G>A (p.Gly153Arg)

Gene: CASP8 (caspase 8; plus strand). Cytogenetic location: 2q33.1.
Variant type: single nucleotide variant.
Coding change: c.457G>A on transcript NM_001372051.1 (MANE Select); coding-DNA position 457, G replaced by A.
Protein change: p.Gly153Arg; replaces glycine 153 with arginine.
Molecular consequence: missense variant. On other transcripts: 5 prime UTR variant (11), non-coding transcript variant (22).
Genome position (GRCh38, 1-based): chr2:201,272,683, G>A. VCF-style: chr2-201272683-G-A. GRCh37 (hg19) VCF-style: chr2-202137406-G-A.
Other names: c.457G>A, p.Gly153Arg (NM_001080124.2, NM_001400645.1, NM_001400648.1 and 20 more transcripts); c.634G>A, p.Gly212Arg (NM_001080125.2, NM_001400642.1, NM_001400665.1); c.553G>A, p.Gly185Arg (NM_001228.5); c.148G>A, p.Gly50Arg (NM_001400669.1); c.-76G>A (NM_001400671.1, NM_001400672.1, NM_001400673.1 and 6 more transcripts); c.-257G>A (NM_001400674.1); c.-155G>A (NM_001400680.1); short protein forms G153R, G185R, G212R, G50R.
Identifiers: ClinVar variation 3622156 (VCV003622156.2).